The following is an entry in ClinVar:

ClinVar aggregate classification (germline): Uncertain significance (1 of 4 stars; one submission).

gnomAD v4.1: 104 of 1,613,280 alleles (0.0064%); highest among the groups gnomAD compares: Middle Eastern, 0.016%; no homozygotes.

Submission:

CeGaT Center for Human Genetics Tuebingen
Classification: Uncertain significance. Last evaluated: 2025-10-01. Review status: criteria provided, single submitter. Criteria: CeGaT Center For Human Genetics Tuebingen Variant Classification Criteria Version 2. Collection method: clinical testing. Allele origin: germline. Affected: yes. Observed: 1 variant allele.
Comment: SHOC1: PM2, BP4

NM_001378211.1(SHOC1):c.3755C>T (p.Thr1252Ile)

Gene: SHOC1 (shortage in chiasmata 1; minus strand). Cytogenetic location: 9q31.3.
Variant type: single nucleotide variant.
Coding change: c.3755C>T on transcript NM_001378211.1 (MANE Select); coding-DNA position 3755, C replaced by T.
Protein change: p.Thr1252Ile; replaces threonine 1252 with isoleucine.
Molecular consequence: missense variant. On other transcripts: non-coding transcript variant (1).
Genome position (GRCh38, 1-based): chr9:111,692,222, G>A on the plus strand (C>T on the coding strand, the complement: SHOC1 is on the minus strand). VCF-style: chr9-111692222-G-A. GRCh37 (hg19) VCF-style: chr9-114454502-G-A.
Other names: c.3446C>T, p.Thr1149Ile (NM_001080551.3); c.3341C>T, p.Thr1114Ile (NM_001378212.1); c.3563C>T, p.Thr1188Ile (NM_173521.5); short protein forms T1114I, T1149I, T1188I, T1252I.
Identifiers: ClinVar variation 4533776 (VCV004533776.6).